The following is an entry in ClinVar:

ClinVar aggregate classification (germline): Uncertain significance (1 of 4 stars; one submission).

Submission:

Labcorp Genetics (formerly Invitae), Labcorp
Classification: Uncertain significance. Last evaluated: 2024-08-09. Review status: criteria provided, single submitter. Criteria: Invitae Variant Classification Sherloc (09022015). Collection method: clinical testing. Allele origin: germline.
Comment: This sequence change replaces alanine, which is neutral and non-polar, with valine, which is neutral and non-polar, at codon 32 of the FOXI3 protein (p.Ala32Val). The frequency data for this variant in the population databases is considered unreliable, as metrics indicate insufficient coverage at this position in the gnomAD database. This variant has not been reported in the literature in individuals affected with FOXI3-related conditions. Experimental studies and prediction algorithms are not available or were not evaluated, and the functional significance of this variant is currently unknown. In summary, the available evidence is currently insufficient to determine the role of this variant in disease. Therefore, it has been classified as a Variant of Uncertain Significance.

NM_001135649.3(FOXI3):c.95C>T (p.Ala32Val)

Gene: FOXI3 (forkhead box I3; minus strand). Cytogenetic location: 2p11.2.
Variant type: single nucleotide variant.
Coding change: c.95C>T on transcript NM_001135649.3 (MANE Select); coding-DNA position 95, C replaced by T.
Protein change: p.Ala32Val; replaces alanine 32 with valine.
Molecular consequence: missense variant.
Genome position (GRCh38, 1-based): chr2:88,452,441, G>A on the plus strand (C>T on the coding strand, the complement: FOXI3 is on the minus strand). VCF-style: chr2-88452441-G-A. GRCh37 (hg19) VCF-style: chr2-88751959-G-A.
Other names: short protein forms A32V.
Identifiers: ClinVar variation 3612584 (VCV003612584.2).